The following is an entry in ClinVar:

ClinVar aggregate classification (germline): Uncertain significance. Review status: criteria provided, multiple submitters, no conflicts (2 of 4 stars). 2 submissions from 2 submitters: Uncertain significance (2). Last evaluated 2025-07-02.

gnomAD v4.1: 5 of 1,614,052 alleles (0.00031%); highest among the groups gnomAD compares: Admixed American, 0.0033%; no homozygotes.

Submissions (2):

Ambry Genetics
Classification: Uncertain significance. Last evaluated: 2025-07-02. Review status: criteria provided, single submitter. Criteria: Ambry Variant Classification Scheme 2023. Collection method: clinical testing. Allele origin: germline.

Labcorp Genetics (formerly Invitae), Labcorp
Classification: Uncertain significance. Last evaluated: 2024-12-02. Review status: criteria provided, single submitter. Criteria: Invitae Variant Classification Sherloc (09022015). Collection method: clinical testing. Allele origin: germline.
Comment: This sequence change replaces proline, which is neutral and non-polar, with arginine, which is basic and polar, at codon 74 of the KANK1 protein (p.Pro74Arg). This variant is not present in population databases (gnomAD no frequency). This variant has not been reported in the literature in individuals affected with KANK1-related conditions. An algorithm developed to predict the effect of missense changes on protein structure and function (PolyPhen-2) suggests that this variant is likely to be tolerated. In summary, the available evidence is currently insufficient to determine the role of this variant in disease. Therefore, it has been classified as a Variant of Uncertain Significance.

NM_015158.5(KANK1):c.221C>G (p.Pro74Arg)

Gene: KANK1 (KN motif and ankyrin repeat domains 1; plus strand). Cytogenetic location: 9p24.3.
Variant type: single nucleotide variant.
Coding change: c.221C>G on transcript NM_015158.5 (MANE Select); coding-DNA position 221, C replaced by G.
Protein change: p.Pro74Arg; replaces proline 74 with arginine.
Molecular consequence: missense variant. On other transcripts: 5 prime UTR variant (12), non-coding transcript variant (1).
Genome position (GRCh38, 1-based): chr9:710,987, C>G. VCF-style: chr9-710987-C-G. GRCh37 (hg19) VCF-style: chr9-710987-C-G.
Other names: c.221C>G (NM_015158.2); c.221C>G, p.Pro74Arg (NM_001256876.3, NM_001256877.3, NM_001354331.2 and 2 more transcripts); c.-254C>G (NM_001354333.2, NM_001354335.2, NM_001354336.2 and 9 more transcripts); short protein forms P74R.
Identifiers: ClinVar variation 3667351 (VCV003667351.3).